The following is an entry in ClinVar:

NM_014243.3(ADAMTS3):c.413G>A (p.Arg138Lys)

Gene: ADAMTS3 (ADAM metallopeptidase with thrombospondin type 1 motif 3; minus strand). Cytogenetic location: 4q13.3.
Variant type: single nucleotide variant.
Coding change: c.413G>A on transcript NM_014243.3 (MANE Select); coding-DNA position 413, G replaced by A.
Protein change: p.Arg138Lys; replaces arginine 138 with lysine.
Molecular consequence: missense variant.
Genome position (GRCh38, 1-based): chr4:72,548,569, C>T on the plus strand (G>A on the coding strand, the complement: ADAMTS3 is on the minus strand). VCF-style: chr4-72548569-C-T. GRCh37 (hg19) VCF-style: chr4-73414286-C-T.
Other names: c.413G>A (NM_014243.2); short protein forms R138K.
Identifiers: ClinVar variation 1189006 (VCV001189006.7), dbSNP rs788908, ClinGen allele CA2957256.

ClinVar aggregate classification (germline): Benign. Review status: criteria provided, multiple submitters, no conflicts (2 of 4 stars). 4 submissions from 4 submitters: Benign (3). 1 of the submissions does not count toward it. Last evaluated 2024-11-26.

Conditions:
Hennekam lymphangiectasia-lymphedema syndrome 3. Identifiers: MedGen C4748408, MONDO:0032564, OMIM 618154.
ADAMTS3-related disorder. Also called: ADAMTS3-related condition.

Allele frequency attached by ClinVar (database versions not stated): gnomAD exomes 0.59526 and 0.61679; ExAC 0.60155; 1000 Genomes Project 0.64297; 1000 Genomes Project 30x 0.64522; gnomAD 0.65572 and 0.66379; TOPMed 0.66576; ESP Exome Variant Server 0.68430.
gnomAD v4.1: 1,001,543 of 1,613,654 alleles (62%); highest among the groups gnomAD compares: African/African-American, 80%; 314,245 homozygotes.

Submissions (4):

Blueprint Genetics
Classification: Benign. Last evaluated: 2024-11-26. Review status: criteria provided, single submitter. Criteria: ACMG Guidelines, 2015. Collection method: clinical testing. Allele origin: germline.

Genome-Nilou Lab
Classification: Benign for Hennekam lymphangiectasia-lymphedema syndrome 3. Last evaluated: 2021-07-14. Review status: criteria provided, single submitter. Criteria: ACMG Guidelines, 2015. Collection method: clinical testing. Allele origin: germline. Affected: no.

Breakthrough Genomics
Classification: Benign. Review status: criteria provided, single submitter. Criteria: ACMG Guidelines, 2015. Collection method: not provided. Allele origin: germline. Inheritance: Autosomal recessive inheritance. Affected: yes.

PreventionGenetics, part of Exact Sciences
Classification: Benign for ADAMTS3-related condition. Last evaluated: 2019-05-09. Review status: no assertion criteria provided. Collection method: clinical testing. Allele origin: germline. Not counted in ClinVar's aggregate classification.
Comment: This variant is classified as benign based on ACMG/AMP sequence variant interpretation guidelines (Richards et al. 2015 PMID: 25741868, with internal and published modifications).